The following is an entry in ClinVar:

ClinVar aggregate classification (germline): Uncertain significance (1 of 4 stars; one submission).

Conditions:
Cardiovascular phenotype. Identifiers: MedGen CN230736.

Submission:

Ambry Genetics
Classification: Uncertain significance for Cardiovascular phenotype. Last evaluated: 2025-08-05. Review status: criteria provided, single submitter. Criteria: Ambry Variant Classification Scheme 2023. Collection method: clinical testing. Allele origin: germline.
Comment: The p.T96N variant (also known as c.287C>A), located in coding exon 4 of the TAZ gene, results from a C to A substitution at nucleotide position 287. The threonine at codon 96 is replaced by asparagine, an amino acid with similar properties. This amino acid position is highly conserved in available vertebrate species. In addition, this alteration is predicted to be deleterious by in silico analysis. Based on the available evidence, the clinical significance of this variant remains unclear.

NM_000116.5(TAFAZZIN):c.287C>A (p.Thr96Asn)

Gene: TAFAZZIN (tafazzin, phospholipid-lysophospholipid transacylase; plus strand). Cytogenetic location: Xq28.
Variant type: single nucleotide variant.
Coding change: c.287C>A on transcript NM_000116.5 (MANE Select); coding-DNA position 287, C replaced by A.
Protein change: p.Thr96Asn; replaces threonine 96 with asparagine.
Molecular consequence: missense variant. On other transcripts: non-coding transcript variant (1).
Genome position (GRCh38, 1-based): chrX:154,413,484, C>A. VCF-style: chrX-154413484-C-A. GRCh37 (hg19) VCF-style: chrX-153641821-C-A.
Other names: c.341C>A, p.Thr114Asn (NM_001303465.2, NM_001410698.1, NM_001440856.1 and 1 more transcripts); c.287C>A, p.Thr96Asn (NM_001440858.1, NM_181311.4, NM_181312.4 and 1 more transcripts); short protein forms T96N, T114N.
Identifiers: ClinVar variation 4179772 (VCV004179772.1).
Genomic context (GRCh38, chrX:154,413,484, plus strand): 5'-GGCAGGGTGGTGGAGCGGGGTGCAGGGGGCAGGACTAATTGCATCTGTCCCTGCTTAGGA[C>A]CCCTGCAGCTGCAGACATCTGCTTCACCAAGGAGCTACACTCCCACTTCTTCAGCTTGGG-3'
Protein context (NP_000107.1, residues 86-106): HIWNLKLMRW[Thr96Asn]PAAADICFTK